The following is an entry in ClinVar:

NM_207122.2(EXT2):c.1929del (p.Ile644fs)

Gene: EXT2 (exostosin glycosyltransferase 2; plus strand). Cytogenetic location: 11p11.2.
Variant type: Deletion.
Coding change: c.1929del on transcript NM_207122.2 (MANE Select); coding-DNA position 1929, one base deleted (T; older notation c.1929delT).
Protein change: p.Ile644fs; shifts the reading frame from isoleucine 644.
Molecular consequence: frameshift variant.
Genome position (GRCh38, 1-based): chr11:44,234,237, T deleted; the last of 2 consecutive T bases (chr11:44,234,236-44,234,237); deleting either gives the same sequence. VCF-style (leftmost placement, unchanged base first): chr11-44234235-GT-G. GRCh37 (hg19) VCF-style: chr11-44255785-GT-G.
Other names: c.1929delT (NM_207122.1); c.2028del, p.Ile677fs (NM_000401.3); c.1959del, p.Ile654fs (NM_001178083.3); c.1929del, p.Ile644fs (NM_001389628.1, NM_001389630.1); short protein forms I644fs, I654fs, I677fs.
Identifiers: ClinVar variation 423047 (VCV000423047.2), dbSNP rs1064796192, ClinGen allele CA16619323.

ClinVar aggregate classification (germline): Pathogenic (1 of 4 stars; one submission).

Submission:

GeneDx
Classification: Pathogenic. Last evaluated: 2017-01-12. Review status: criteria provided, single submitter. Criteria: GeneDx Variant Classification (06012015). Collection method: clinical testing. Allele origin: germline. Affected: yes.
Comment: The c.1929delT pathogenic variant in the EXT2 gene causes a frameshift starting with codon Isoleucine 644, changes this amino acid to a Serine residue and creates a premature Stop codon at position 3 of the new reading frame, denoted p.Ile644SerfsX3. This pathogenic variant is predicted to cause loss of normal protein function either through protein truncation or nonsense-mediated mRNA decay. The variant was not observed in approximately 6,500 individuals of European and African American ancestry in the NHLBI Exome Sequencing Project, indicating it is not a common benign variant in these populations. Although this pathogenic variant has not been previously reported to our knowledge, its presence is consistent with the diagnosis of hereditary multiple exostoses in this individual.